The following is an entry in ClinVar:

NM_014363.6(SACS):c.9878T>A (p.Leu3293His)

Gene: SACS (sacsin molecular chaperone; minus strand). Cytogenetic location: 13q12.12.
Variant type: single nucleotide variant.
Coding change: c.9878T>A on transcript NM_014363.6 (MANE Select); coding-DNA position 9878, T replaced by A.
Protein change: p.Leu3293His; replaces leucine 3293 with histidine.
Molecular consequence: missense variant.
Genome position (GRCh38, 1-based): chr13:23,333,998, A>T on the plus strand (T>A on the coding strand, the complement: SACS is on the minus strand). VCF-style: chr13-23333998-A-T. GRCh37 (hg19) VCF-style: chr13-23908137-A-T.
Other names: p.Leu3293His; c.9437T>A, p.Leu3146His (NM_001278055.2); c.9905T>A, p.Leu3302His (NM_001437336.1); short protein forms L3146H, L3302H, L3293H.
Identifiers: ClinVar variation 4541758 (VCV004541758.1).

ClinVar aggregate classification (germline): Uncertain significance (1 of 4 stars; one submission).

Submission:

Mayo Clinic Laboratories, Mayo Clinic
Classification: Uncertain significance. Last evaluated: 2025-10-10. Review status: criteria provided, single submitter. Criteria: ACMG Guidelines, 2015. Collection method: clinical testing. Allele origin: germline. Observed: 1 variant allele.
Comment: PM2_supporting